The following is an entry in ClinVar:

NM_003098.3(SNTA1):c.1300T>C (p.Trp434Arg)

Gene: SNTA1 (syntrophin alpha 1; minus strand). Cytogenetic location: 20q11.21.
Variant type: single nucleotide variant.
Coding change: c.1300T>C on transcript NM_003098.3 (MANE Select); coding-DNA position 1300, T replaced by C.
Protein change: p.Trp434Arg; replaces tryptophan 434 with arginine.
Molecular consequence: missense variant.
Genome position (GRCh38, 1-based): chr20:33,408,826, A>G on the plus strand (T>C on the coding strand, the complement: SNTA1 is on the minus strand). VCF-style: chr20-33408826-A-G. GRCh37 (hg19) VCF-style: chr20-31996632-A-G.
Other names: p.W434R:TGG>CGG; short protein forms W434R.
Identifiers: ClinVar variation 190923 (VCV000190923.6), dbSNP rs772600822, ClinGen allele CA302297.

ClinVar aggregate classification (germline): Uncertain significance. Review status: criteria provided, multiple submitters, no conflicts (2 of 4 stars). 3 submissions from 3 submitters: Uncertain significance (3). Last evaluated 2026-04-09.

Conditions:
Cardiovascular phenotype. Identifiers: MedGen CN230736.
Long QT syndrome (LQTS). Identifiers: MedGen C0023976, MeSH D008133, MONDO:0002442. Disease mechanism: loss of function. Inheritance: Various modes of inheritance.

Allele frequency attached by ClinVar (database versions not stated): TOPMed below 0.00001; ExAC 0.00002; gnomAD exomes 0.00002.
gnomAD v4.1: 25 of 1,614,206 alleles (0.0015%); highest among the groups gnomAD compares: Admixed American, 0.0033%; 1 homozygote.

Submissions (3):

Ambry Genetics
Classification: Uncertain significance for Cardiovascular phenotype. Last evaluated: 2026-04-09. Review status: criteria provided, single submitter. Criteria: Ambry Variant Classification Scheme 2023. Collection method: clinical testing. Allele origin: germline.
Comment: The p.W434R variant (also known as c.1300T>C), located in coding exon 7 of the SNTA1 gene, results from a T to C substitution at nucleotide position 1300. The tryptophan at codon 434 is replaced by arginine, an amino acid with dissimilar properties. This amino acid position is conserved. In addition, this alteration is predicted to be tolerated by in silico analysis. Based on the available evidence, the clinical significance of this variant remains unclear.

Labcorp Genetics (formerly Invitae), Labcorp
Classification: Uncertain significance for Long QT syndrome. Last evaluated: 2024-10-11. Review status: criteria provided, single submitter. Criteria: Invitae Variant Classification Sherloc (09022015). Collection method: clinical testing. Allele origin: germline.
Comment: This sequence change replaces tryptophan, which is neutral and slightly polar, with arginine, which is basic and polar, at codon 434 of the SNTA1 protein (p.Trp434Arg). This variant is present in population databases (rs772600822, gnomAD 0.006%). This variant has not been reported in the literature in individuals affected with SNTA1-related conditions. ClinVar contains an entry for this variant (Variation ID: 190923). Invitae Evidence Modeling of protein sequence and biophysical properties (such as structural, functional, and spatial information, amino acid conservation, physicochemical variation, residue mobility, and thermodynamic stability) indicates that this missense variant is not expected to disrupt SNTA1 protein function with a negative predictive value of 80%. In summary, the available evidence is currently insufficient to determine the role of this variant in disease. Therefore, it has been classified as a Variant of Uncertain Significance.

GeneDx
Classification: Uncertain significance. Last evaluated: 2019-01-11. Review status: criteria provided, single submitter. Criteria: GeneDx Variant Classification (06012015). Collection method: clinical testing. Allele origin: germline. Affected: yes.
Comment: The Trp434Arg variant in the SNTA1 gene has not been reported as a disease-causing mutation or as a benign polymorphism to our knowledge. Trp434Arg results in a non-conservative amino acid substitution of a non-polar Tryptophan with a positively charged Arginine at a position that is conserved across species. The Trp434Arg variant was not observed in approximately 6,500 individuals of European and African American ancestry in the NHLBI Exome Sequencing Project, indicating it is not a common benign variant in these populations. Nevertheless, no mutations in nearby residues have been reported in association with arrhythmia. In silico analysis predicts Trp434Arg is likely benign to the protein structure/function. With the clinical and molecular information available at this time, we cannot definitively determine if Trp434Arg is a disease-causing mutation or a rare benign variant. The pathogenic role for this variant would be further supported if it occurred de novo in an individual or if it co-segregates with an arrhythmia phenotype in a family. The variant is found in ARRHYTHMIA panel(s).